The following is an entry in ClinVar:

ClinVar aggregate classification (germline): Likely benign (0 of 4 stars; one submission).

Conditions:
GLIS3-related disorder. Also called: GLIS3-related condition.

gnomAD v4.1: 2 of 1,586,222 alleles (0.00013%); highest among the groups gnomAD compares: Non-Finnish European, 0.00017%; no homozygotes.

Submission:

PreventionGenetics, part of Exact Sciences
Classification: Likely benign for GLIS3-related condition. Last evaluated: 2023-12-16. Review status: no assertion criteria provided. Collection method: clinical testing. Allele origin: germline.
Comment: This variant is classified as likely benign based on ACMG/AMP sequence variant interpretation guidelines (Richards et al. 2015 PMID: 25741868, with internal and published modifications).

NM_001042413.2(GLIS3):c.1254G>A (p.Pro418=)

Gene: GLIS3 (GLIS family zinc finger 3; minus strand). Cytogenetic location: 9p24.2.
Variant type: single nucleotide variant.
Coding change: c.1254G>A on transcript NM_001042413.2 (MANE Select); coding-DNA position 1254, G replaced by A.
Protein change: p.Pro418=; no amino-acid change (proline 418 retained).
Molecular consequence: synonymous variant.
Genome position (GRCh38, 1-based): chr9:4,118,224, C>T on the plus strand (G>A on the coding strand, the complement: GLIS3 is on the minus strand). VCF-style: chr9-4118224-C-T. GRCh37 (hg19) VCF-style: chr9-4118224-C-T.
Other names: c.789G>A, p.Pro263= (NM_152629.4).
Identifiers: ClinVar variation 3061644 (VCV003061644.2), dbSNP rs1260550223, ClinGen allele CA463855204.
Genomic context (GRCh38, chr9:4,118,224, plus strand): 5'-GCCCGGGAACTCCTCCAGGCGTTCGGTCTTGAACAGGCCGGCCGACTGGCTGTCGGGGCC[C>T]GGCAGGCCATGCTGCACCACCATGTGGTTGACCAGGCCTGGCTGCAGGCCGCCGTGCTCC-3'
Protein context (NP_001035878.1, residues 408-428): VNHMVVQHGL[Pro418=]GPDSQSAGLF